The following is an entry in ClinVar:

ClinVar aggregate classification (germline): Uncertain significance. Review status: criteria provided, multiple submitters, no conflicts (2 of 4 stars). 2 submissions from 2 submitters: Uncertain significance (2). Last evaluated 2025-09-02.

gnomAD v4.1: 2 of 1,614,180 alleles (0.00012%); highest among the groups gnomAD compares: Non-Finnish European, 0.00017%; no homozygotes.

Submissions (2):

Labcorp Genetics (formerly Invitae), Labcorp
Classification: Uncertain significance. Last evaluated: 2025-09-02. Review status: criteria provided, single submitter. Criteria: Invitae Variant Classification Sherloc (09022015). Collection method: clinical testing. Allele origin: germline.
Comment: This sequence change replaces alanine, which is neutral and non-polar, with aspartic acid, which is acidic and polar, at codon 264 of the MERTK protein (p.Ala264Asp). This variant is not present in population databases (gnomAD no frequency). This variant has not been reported in the literature in individuals affected with MERTK-related conditions. ClinVar contains an entry for this variant (Variation ID: 1970919). Invitae Evidence Modeling of protein sequence and biophysical properties (such as structural, functional, and spatial information, amino acid conservation, physicochemical variation, residue mobility, and thermodynamic stability) indicates that this missense variant is expected to disrupt MERTK protein function with a positive predictive value of 80%. In summary, the available evidence is currently insufficient to determine the role of this variant in disease. Therefore, it has been classified as a Variant of Uncertain Significance.

Blueprint Genetics
Classification: Uncertain significance. Last evaluated: 2020-11-24. Review status: criteria provided, single submitter. Criteria: ACMG Guidelines, 2015. Collection method: clinical testing. Allele origin: germline.

NM_006343.3(MERTK):c.791C>A (p.Ala264Asp)

Gene: MERTK (MER proto-oncogene, tyrosine kinase; plus strand). Cytogenetic location: 2q13.
Variant type: single nucleotide variant.
Coding change: c.791C>A on transcript NM_006343.3 (MANE Select); coding-DNA position 791, C replaced by A.
Protein change: p.Ala264Asp; replaces alanine 264 with aspartic acid.
Molecular consequence: missense variant.
Genome position (GRCh38, 1-based): chr2:111,965,224, C>A. VCF-style: chr2-111965224-C-A. GRCh37 (hg19) VCF-style: chr2-112722801-C-A.
Other names: short protein forms A264D.
Identifiers: ClinVar variation 1970919 (VCV001970919.4), dbSNP rs199779970, ClinGen allele CA348230888.
Genomic context (GRCh38, chr2:111,965,224, plus strand): 5'-GGTCTCATGAGTCTCCTTCCATTCCAGGCCTGACGGAGATGGCGGTCTTCAGTTGTGAGG[C>A]CCACAATGACAAAGGGCTGACCGTGTCCAAGGGAGTGCAGATCAACATCAAAGGTAAGCA-3'
Protein context (NP_006334.2, residues 254-274): LTEMAVFSCE[Ala264Asp]HNDKGLTVSK